The following is an entry in ClinVar:

ClinVar aggregate classification (germline): Pathogenic (1 of 4 stars; one submission).

Allele frequency attached by ClinVar (database versions not stated): gnomAD exomes 0.00001.
gnomAD v4.1: 8 of 1,614,166 alleles (0.0005%); highest among the groups gnomAD compares: Non-Finnish European, 0.00068%; no homozygotes.

Submission:

Labcorp Genetics (formerly Invitae), Labcorp
Classification: Pathogenic. Last evaluated: 2023-08-25. Review status: criteria provided, single submitter. Criteria: Invitae Variant Classification Sherloc (09022015). Collection method: clinical testing. Allele origin: germline.
Comment: For these reasons, this variant has been classified as Pathogenic. This variant disrupts a region of the ACAD9 protein in which other variant(s) (p.Pro616Ser) have been determined to be pathogenic (PMID: 25326637, 30831263). This suggests that this is a clinically significant region of the protein, and that variants that disrupt it are likely to be disease-causing. Variants that disrupt the consensus splice site are a relatively common cause of aberrant splicing (PMID: 17576681, 9536098). Algorithms developed to predict the effect of sequence changes on RNA splicing suggest that this variant may disrupt the consensus splice site. This variant has not been reported in the literature in individuals affected with ACAD9-related conditions. This variant is not present in population databases (gnomAD no frequency). This sequence change affects a donor splice site in intron 17 of the ACAD9 gene. While this variant is not anticipated to result in nonsense mediated decay, it likely alters RNA splicing and results in a disrupted protein product.

Literature cited by the submitters: PubMed 25326637; PubMed 30831263; PubMed 17576681; PubMed 9536098.

NM_014049.5(ACAD9):c.1765+2T>A

Genes: ACAD9 (acyl-CoA dehydrogenase family member 9; plus strand), CFAP92 (cilia and flagella associated protein 92 (putative); minus strand). Cytogenetic location: 3q21.3.
Variant type: single nucleotide variant.
Coding change: c.1765+2T>A on transcript NM_014049.5 (MANE Select); the canonical splice donor site of the intron after coding-DNA position 1765, T replaced by A.
Molecular consequence: splice donor variant. On other transcripts: intron variant (3).
Genome position (GRCh38, 1-based): chr3:128,910,815, T>A. VCF-style: chr3-128910815-T-A. GRCh37 (hg19) VCF-style: chr3-128629658-T-A.
Other names: c.1396+2T>A (NM_001410805.1); c.2312-482A>T (NM_001348521.2); c.2408-482A>T (NM_001348520.2); c.3281-482A>T (NM_001394090.1).
Identifiers: ClinVar variation 2679724 (VCV002679724.5), dbSNP rs2529287811, ClinGen allele CA354440805.